The following is an entry in ClinVar:

NM_152743.4(BRAT1):c.658G>A (p.Val220Ile)

Gene: BRAT1 (BRCA1 associated ATM activator 1; minus strand). Cytogenetic location: 7p22.3.
Variant type: single nucleotide variant.
Coding change: c.658G>A on transcript NM_152743.4 (MANE Select); coding-DNA position 658, G replaced by A.
Protein change: p.Val220Ile; replaces valine 220 with isoleucine.
Molecular consequence: missense variant. On other transcripts: non-coding transcript variant (1).
Genome position (GRCh38, 1-based): chr7:2,543,735, C>T on the plus strand (G>A on the coding strand, the complement: BRAT1 is on the minus strand). VCF-style: chr7-2543735-C-T. GRCh37 (hg19) VCF-style: chr7-2583369-C-T.
Other names: c.658G>A, p.Val220Ile (NM_001350626.2); c.133G>A, p.Val45Ile (NM_001350627.2); c.658G>A (NM_152743.3); short protein forms V45I, V220I.
Identifiers: ClinVar variation 1409054 (VCV001409054.8), dbSNP rs749410902, ClinGen allele CA4128134.

ClinVar aggregate classification (germline): Uncertain significance. Review status: criteria provided, multiple submitters, no conflicts (2 of 4 stars). 3 submissions from 3 submitters: Uncertain significance (2). 1 of the submissions does not count toward it. Last evaluated 2025-06-07.

Conditions:
BRAT1-related disorder. Also called: BRAT1-related disorders; BRAT1-related condition.
Inborn genetic diseases. Identifiers: MedGen C0950123, MeSH D030342.
Neonatal-onset encephalopathy with rigidity and seizures. Also called: Lethal neonatal spasticity-epileptic encephalopathy syndrome. Identifiers: Orphanet 435845, MedGen C3281029, MONDO:0013784, OMIM 614498.

Allele frequency attached by ClinVar (database versions not stated): gnomAD exomes below 0.00001; TOPMed 0.00001.

Submissions (3):

Ambry Genetics
Classification: Uncertain significance for Inborn genetic diseases. Last evaluated: 2025-06-07. Review status: criteria provided, single submitter. Criteria: Ambry Variant Classification Scheme 2023. Collection method: clinical testing. Allele origin: germline.

Labcorp Genetics (formerly Invitae), Labcorp
Classification: Uncertain significance for Neonatal-onset encephalopathy with rigidity and seizures. Last evaluated: 2021-09-02. Review status: criteria provided, single submitter. Criteria: Invitae Variant Classification Sherloc (09022015). Collection method: clinical testing. Allele origin: germline.
Comment: This sequence change replaces valine with isoleucine at codon 220 of the BRAT1 protein (p.Val220Ile). The valine residue is moderately conserved and there is a small physicochemical difference between valine and isoleucine. The frequency data for this variant in the population databases is considered unreliable, as metrics indicate poor data quality at this position in the ExAC database. This variant has not been reported in the literature in individuals affected with BRAT1-related conditions. Algorithms developed to predict the effect of missense changes on protein structure and function are either unavailable or do not agree on the potential impact of this missense change (SIFT: "Tolerated"; PolyPhen-2: "Possibly Damaging"; Align-GVGD: "Class C0"). In summary, the available evidence is currently insufficient to determine the role of this variant in disease. Therefore, it has been classified as a Variant of Uncertain Significance.

PreventionGenetics, part of Exact Sciences
Classification: Uncertain significance for BRAT1-related condition. Last evaluated: 2024-05-24. Review status: no assertion criteria provided. Collection method: clinical testing. Allele origin: germline. Not counted in ClinVar's aggregate classification.
Comment: The BRAT1 c.658G>A variant is predicted to result in the amino acid substitution p.Val220Ile. To our knowledge, this variant has not been reported in the literature. This variant is reported in 0.0055% of alleles in individuals of East Asian descent in gnomAD. At this time, the clinical significance of this variant is uncertain due to the absence of conclusive functional and genetic evidence.